The following is an entry in ClinVar:

NM_000368.5(TSC1):c.211-15_211-13del

Gene: TSC1 (TSC complex subunit 1; minus strand). Cytogenetic location: 9q34.13.
Variant type: Deletion.
Coding change: c.211-15_211-13del on transcript NM_000368.5 (MANE Select); 15 bases into the intron before coding-DNA position 211 through 13 bases into the intron before coding-DNA position 211, 3 bases deleted (CTT; older notation c.211-15_211-13delCTT).
Molecular consequence: intron variant.
Genome position (GRCh38, 1-based): chr9:132,925,752-132,925,754, AAG deleted on the plus strand (CTT on the coding strand, the reverse complement: TSC1 is on the minus strand); deleting any 3 consecutive bases within chr9:132,925,752-132,925,756 gives the same sequence; the c. name uses the placement nearest the transcript's 3' end. VCF-style (leftmost placement, unchanged base first): chr9-132925751-AAAG-A. GRCh37 (hg19) VCF-style: chr9-135801138-AAAG-A.
Other names: c.-153-15_-153-13del (NM_001406620.1, NM_001406618.1, NM_001406625.1 and 5 more transcripts); c.210+1447_210+1449del (NM_001406613.1, NM_001406612.1, NM_001406610.1 and 2 more transcripts); c.-667-15_-667-13del (NM_001406627.1, NM_001406628.1, NM_001406626.1); c.-809-15_-809-13del (NM_001406629.1); c.211-15_211-13del (NM_001406603.1, NM_001406609.1, NM_001406597.1 and 16 more transcripts); c.-245-15_-245-13del (NM_001406614.1, NM_001406624.1, NM_001406616.1); c.-883-15_-883-13del (NM_001406630.1); c.-278-15_-278-13del (NM_001406623.1, NM_001406615.1).
Identifiers: ClinVar variation 4071292 (VCV004071292.1).
Genomic context (GRCh38, chr9:132,925,751, plus strand): 5'-AACGAGTGGCGGCTTTGCCCACATATTCGTTAATCCTGTCCAAGAGGTGCTGAAAATGTA[AAAG>A]AACAAGGGCAGTCCTCACATGAATGTATGAAGTTAACACAAATAAAGACAGCAATGATGT-3'

ClinVar aggregate classification (germline): Likely benign (1 of 4 stars; one submission).

Conditions:
Tuberous sclerosis 1 (TSC1). Identifiers: Orphanet 805, MedGen C1854465, MONDO:0008612, OMIM 191100.

Submission:

Myriad Genetics, Inc.
Classification: Likely benign for Tuberous sclerosis 1. Last evaluated: 2025-04-07. Review status: criteria provided, single submitter. Criteria: Myriad Autosomal Dominant, Autosomal Recessive and X-Linked Classification Criteria (2023). Collection method: clinical testing. Allele origin: unknown.
Comment: This variant is considered likely benign. This variant is intronic and is not expected to impact mRNA splicing.